The following is an entry in ClinVar:

ClinVar aggregate classification (germline): Uncertain significance (1 of 4 stars; one submission).

Allele frequency attached by ClinVar (database versions not stated): gnomAD exomes below 0.00001.
gnomAD v4.1: 1 of 1,613,142 alleles (0.000062%); highest among the groups gnomAD compares: Non-Finnish European, 0.000085%; no homozygotes.

Submission:

Genetic Services Laboratory, University of Chicago
Classification: Uncertain significance. Last evaluated: 2021-09-17. Review status: criteria provided, single submitter. Criteria: ACMG Guidelines, 2015. Collection method: clinical testing. Allele origin: germline. Affected: no.
Comment: DNA sequence analysis of the RASGRP1 gene demonstrated a sequence change, c.1629C>A, in exon 13 that results in an amino acid change, p.Asn543Lys. This sequence change does not appear to have been previously described in individuals with RASGRP1-related disorders. This sequence change is absent in the gnomAD population database. The p.Asn543Lys change affects a highly conserved amino acid residue located in a domain of the RASGRP1 protein that is known to be functional. The p.Asn543Lys substitution appears to be deleterious using several in-silico pathogenicity prediction tools (SIFT, PolyPhen2, Align GVGD, REVEL). Due to the lack of sufficient evidence, the clinical significance of the p.Asn543Lys change remains unknown at this time.

NM_005739.4(RASGRP1):c.1629C>A (p.Asn543Lys)

Gene: RASGRP1 (RAS guanyl releasing protein 1; minus strand). Cytogenetic location: 15q14.
Variant type: single nucleotide variant.
Coding change: c.1629C>A on transcript NM_005739.4 (MANE Select); coding-DNA position 1629, C replaced by A.
Protein change: p.Asn543Lys; replaces asparagine 543 with lysine.
Molecular consequence: missense variant.
Genome position (GRCh38, 1-based): chr15:38,501,197, G>T on the plus strand (C>A on the coding strand, the complement: RASGRP1 is on the minus strand). VCF-style: chr15-38501197-G-T. GRCh37 (hg19) VCF-style: chr15-38793398-G-T.
Other names: c.1524C>A, p.Asn508Lys (NM_001128602.2, NM_001306086.2); short protein forms N508K, N543K.
Identifiers: ClinVar variation 1338073 (VCV001338073.4), dbSNP rs2141089659, ClinGen allele CA391664112.
Genomic context (GRCh38, chr15:38,501,197, plus strand): 5'-ACTTACAAATCCAGCACAGTTGTCACAAAAAGTGGGCTTCAGGTAGGTGGTCTCTTGGAA[G>T]TTGTGAGGAAAGCCCAGGCCCAGCTTGGAATAGATTGAGCTGGCTCTCATGAAGTAGGCT-3'
Protein context (NP_005730.2, residues 533-553): YSKLGLGFPH[Asn543Lys]FQETTYLKPT